The following continues an entry in ClinVar:

NM_001048174.2(MUTYH):c.206G>A (p.Arg69Gln)

Gene: MUTYH. ClinVar aggregate classification (germline): Conflicting classifications of pathogenicity. Uncertain significance (10); Likely benign (1).

Submissions 9 to 12 of 12:

St. Jude Molecular Pathology, St. Jude Children's Research Hospital
Classification: Uncertain significance for Familial cancer of breast. Last evaluated: 2023-03-08. Review status: criteria provided, single submitter. Criteria: St. Jude Assertion Criteria 2020. Collection method: clinical testing. Allele origin: germline.
Comment: The MUTYH c.290G>A (p.Arg97Gln) missense change has a maximum subpopulation frequency of 0.0054% in gnomAD v2.1.1. The in silico tool REVEL is inconclusive about a pathogenic or benign effect of this variant on protein function, and to our knowledge functional studies have not been performed. This variant has been reported in individuals with breast cancer (PMID: 25186627) and colorectal cancer (PMID: 27829682). It was observed to co-occur in unknown phase with a pathogenic MUTYH mutation (p.Gly396Asp) in an individual with a personal history of colorectal cancer and early-onset breast cancer, and a family history of colorectal cancer (PMID: 25503501). In summary, the evidence currently available is insufficient to determine the clinical significance of this variant. It has therefore been classified as of uncertain significance.

Laboratory for Molecular Medicine, Mass General Brigham Personalized Medicine
Classification: Uncertain significance. Last evaluated: 2022-06-30. Review status: criteria provided, single submitter. Criteria: ACMG Guidelines, 2015. Collection method: clinical testing. Allele origin: germline.
Comment: The p.Arg97Gln variant in MUTYH has been previously reported in the compound heterozygous state in 1 individual with MUTYH-associated cancers and 1 with breast cancer (Maxwell 2015 PMID: 25503501; Tung 2015 PMD: 25186627). It has also been identified in 0.005% (1/18392) of East Asian chromosomes by gnomAD. This variant has also been reported in ClinVar (Variation ID 185512). Arginine (Arg) at position 97 is not conserved in mammals or evolutionarily distant species, and 4 mammals (Tibetian antelope, cow, sheep, and domestic goat) carry a glutamine (Gln) at this position, raising the possibility that this change may be tolerated. Computational prediction tools and conservation analyses suggest that this variant may impact the protein, though this information is not predictive enough to determine pathogenicity. In summary, the clinical significance of this variant is uncertain. ACMG/AMP Criteria applied: PM2, PM3.

Clinical Genetics Laboratory, Skane University Hospital Lund
Classification: Uncertain significance. Last evaluated: 2022-05-27. Review status: criteria provided, single submitter. Criteria: ACMG Guidelines, 2015. Collection method: clinical testing. Allele origin: germline. Affected: yes.

Department of Pathology and Laboratory Medicine, Sinai Health System
Classification: Uncertain significance for Carcinoma of colon. Review status: no assertion criteria provided. Collection method: clinical testing. Allele origin: unknown. Affected: yes. Observed: 2 variant alleles. Study: The Canadian Open Genetics Repository (COGR). Not counted in ClinVar's aggregate classification.
Comment: The MUTYH p.Arg97Gln variant was not identified in the literature nor was it identified in the COSMIC, Zhejiang Colon Cancer (LOVD), COGR, or UMD database. The variant was identified in dbSNP (ID: rs755653922) as â€šÃ„ÃºWith Uncertain significance alleleâ€šÃ„Ã¹ and the Exome Aggregation Consortium database (August 8, 2016) in 1 of 121384 chromosomes (frequency: 0.000008). The variant was identified in the European (Non-Finnish) population in 1 of 66722 chromosomes (frequency: 0.00001), but not in the African, East Asian, Finnish, Latino, South Asian or Other populations. In Clinvar and Clinvitae, the variant was identified as uncertain significance by Ambry Genetics; InSiGHT Colon Cancer Gene Variant Database (LOVD) 1x as unknown. The p.Arg97 residue is not conserved in mammals and computational analyses (PolyPhen-2, SIFT, AlignGVGD, BLOSUM, MutationTaster) provide inconsistent predictions regarding the impact to the protein; this information is not very predictive of pathogenicity. The variant amino acid Glutamine (Gln) is present in cow, increasing the likelihood that this variant does not have clinical significance. In summary, based on the above information, the clinical significance of this variant cannot be determined with certainty at this time. This variant is classified as a variant of uncertain significance.

Literature cited by the submitters: PubMed 25186627 (cited by 5 submitters); PubMed 25307848 (cited by Ambry Genetics); PubMed 27829682 (cited by 4 submitters); PubMed 25503501 (cited by 5 submitters); PubMed 33471991 (cited by Women's Health and Genetics/Laboratory Corporation of America, LabCorp); PubMed 34250417 (cited by Women's Health and Genetics/Laboratory Corporation of America, LabCorp).